The following is an entry in ClinVar:

NM_000518.4(HBB):c.-146G>T

Genes: HBB (hemoglobin subunit beta; minus strand), LOC106099062 (HBB recombination region; plus strand), LOC107133510 (origin of replication at HBB; plus strand). Cytogenetic location: 11p15.4.
Variant type: single nucleotide variant.
Coding change: c.-146G>T on transcript NM_000518.4; 146 bases upstream of the start codon, G replaced by T.
Genome position (GRCh38, 1-based): chr11:5,227,167, C>A on the plus strand (G>T on the coding strand, the complement: HBB is on the minus strand). VCF-style: chr11-5227167-C-A. GRCh37 (hg19) VCF-style: chr11-5248397-C-A.
Identifiers: ClinVar variation 2503934 (VCV002503934.1), dbSNP rs1168422815, ClinGen allele CA677538338.
Genomic context (GRCh38, chr11:5,227,167, plus strand): 5'-AGCCCTGGCTCCTGCCCTCCCTGCTCCTGGGAGTAGATTGGCCAACCCTAGGGTGTGGCT[C>A]CACAGGGTGAGGTCTAAGTGATGACAGCCGTACCTGTCCTTGGCTCTTCTGGCACTGGCT-3'

ClinVar aggregate classification (germline): Uncertain significance (1 of 4 stars; one submission).

Allele frequency attached by ClinVar (database versions not stated): TOPMed below 0.00001; gnomAD 0.00001.

Submission:

Women's Health and Genetics/Laboratory Corporation of America, LabCorp
Classification: Uncertain significance. Last evaluated: 2023-04-06. Review status: criteria provided, single submitter. Criteria: LabCorp Variant Classification Summary - May 2015. Collection method: clinical testing. Allele origin: germline.
Comment: Variant summary: HBB c.-146G>T alters a non-conserved nucleotide, located in the untranscribed region (i.e. upstream of the transcription initiation site, in the promoter region), therefore the variant might affect gene expression. The variant allele was found at a frequency of 6.6e-06 in 150962 control chromosomes (gnomAD v3.1, genomes dataset). The available data on variant occurrences in the general population are insufficient to allow any conclusion about variant significance. To our knowledge, no occurrence of c.-146G>T in individuals affected with Hemoglobinopathy and no experimental evidence demonstrating its impact on protein function have been reported. No clinical diagnostic laboratories have submitted clinical-significance assessments for this variant to ClinVar after 2014. Based on the evidence outlined above, the variant was classified as uncertain significance.